The following is an entry in ClinVar:

NM_005633.4(SOS1):c.1562A>G (p.Glu521Gly)

Gene: SOS1 (SOS Ras/Rac guanine nucleotide exchange factor 1; minus strand). Cytogenetic location: 2p22.1.
Variant type: single nucleotide variant.
Coding change: c.1562A>G on transcript NM_005633.4 (MANE Select); coding-DNA position 1562, A replaced by G.
Protein change: p.Glu521Gly; replaces glutamic acid 521 with glycine.
Molecular consequence: missense variant.
Genome position (GRCh38, 1-based): chr2:39,022,866, T>C on the plus strand (A>G on the coding strand, the complement: SOS1 is on the minus strand). VCF-style: chr2-39022866-T-C. GRCh37 (hg19) VCF-style: chr2-39250007-T-C.
Other names: c.1541A>G, p.Glu514Gly (NM_001382394.1); c.1562A>G, p.Glu521Gly (NM_001382395.1); short protein forms E521G, E514G.
Identifiers: ClinVar variation 3681853 (VCV003681853.2).

ClinVar aggregate classification (germline): Uncertain significance (1 of 4 stars; one submission).

Conditions:
RASopathy. Also called: Noonan spectrum disorder; rasopathies. Identifiers: Orphanet 536391, MedGen C5555857, MONDO:0021060.

Submission:

Labcorp Genetics (formerly Invitae), Labcorp
Classification: Uncertain significance for RASopathy. Last evaluated: 2024-04-06. Review status: criteria provided, single submitter. Criteria: Invitae Variant Classification Sherloc (09022015). Collection method: clinical testing. Allele origin: germline.
Comment: This sequence change replaces glutamic acid, which is acidic and polar, with glycine, which is neutral and non-polar, at codon 521 of the SOS1 protein (p.Glu521Gly). This variant is not present in population databases (gnomAD no frequency). This variant has not been reported in the literature in individuals affected with SOS1-related conditions. Advanced modeling of protein sequence and biophysical properties (such as structural, functional, and spatial information, amino acid conservation, physicochemical variation, residue mobility, and thermodynamic stability) performed at Invitae indicates that this missense variant is not expected to disrupt SOS1 protein function with a negative predictive value of 95%. In summary, the available evidence is currently insufficient to determine the role of this variant in disease. Therefore, it has been classified as a Variant of Uncertain Significance.